The following is an entry in ClinVar:

ClinVar aggregate classification (germline): Conflicting classifications of pathogenicity. Review status: criteria provided, conflicting classifications (1 of 4 stars). 2 submissions from 2 submitters: Uncertain significance (1); Likely benign (1). Last evaluated 2025-12-01.

Allele frequency attached by ClinVar (database versions not stated): gnomAD 0.00003; ExAC 0.00006; TOPMed 0.00008; gnomAD exomes 0.00009.

Submissions (2):

CeGaT Center for Human Genetics Tuebingen
Classification: Likely benign. Last evaluated: 2025-12-01. Review status: criteria provided, single submitter. Criteria: CeGaT Center For Human Genetics Tuebingen Variant Classification Criteria Version 2. Collection method: clinical testing. Allele origin: germline. Affected: yes. Observed: 1 variant allele.
Comment: BCORL1: BS2

Ambry Genetics
Classification: Uncertain significance. Last evaluated: 2025-08-13. Review status: criteria provided, single submitter. Criteria: Ambry Variant Classification Scheme 2023. Collection method: clinical testing. Allele origin: germline.

NM_001379451.1(BCORL1):c.2339G>A (p.Ser780Asn)

Gene: BCORL1 (BCL6 corepressor like 1; plus strand). Cytogenetic location: Xq26.1.
Variant type: single nucleotide variant.
Coding change: c.2339G>A on transcript NM_001379451.1 (MANE Select); coding-DNA position 2339, G replaced by A.
Protein change: p.Ser780Asn; replaces serine 780 with asparagine.
Molecular consequence: missense variant.
Genome position (GRCh38, 1-based): chrX:130,015,111, G>A. VCF-style: chrX-130015111-G-A. GRCh37 (hg19) VCF-style: chrX-129149087-G-A.
Other names: c.2339G>A, p.Ser780Asn (NM_001184772.3, NM_001379450.1, NM_021946.5); short protein forms S780N.
Identifiers: ClinVar variation 2511155 (VCV002511155.7), dbSNP rs751749965, ClinGen allele CA10514344.
Genomic context (GRCh38, chrX:130,015,111, plus strand): 5'-AGGGCACTGGTGCCACGTGTGGCAAAAAGGGCAGCCAGGCTGGTGCTGAGGGACAGCCAA[G>A]CACAGTGAAACGATATACTCCAGCCCGCATTGCCCCTGGGCTGCCAGGGTGCCAAACCAA-3'
Protein context (NP_001366380.1, residues 770-790): GSQAGAEGQP[Ser780Asn]TVKRYTPARI